The following is an entry in ClinVar:

NM_138395.4(MARS2):c.389T>C (p.Ile130Thr)

Gene: MARS2 (methionyl-tRNA synthetase 2, mitochondrial; plus strand). Cytogenetic location: 2q33.1.
Variant type: single nucleotide variant.
Coding change: c.389T>C on transcript NM_138395.4 (MANE Select); coding-DNA position 389, T replaced by C.
Protein change: p.Ile130Thr; replaces isoleucine 130 with threonine.
Molecular consequence: missense variant.
Genome position (GRCh38, 1-based): chr2:197,705,794, T>C. VCF-style: chr2-197705794-T-C. GRCh37 (hg19) VCF-style: chr2-198570518-T-C.
Other names: short protein forms I130T.
Identifiers: ClinVar variation 3372977 (VCV003372977.1).

ClinVar aggregate classification (germline): Uncertain significance (1 of 4 stars; one submission).

Submission:

GeneDx
Classification: Uncertain significance. Last evaluated: 2024-04-24. Review status: criteria provided, single submitter. Criteria: GeneDx Variant Classification Process June 2021. Collection method: clinical testing. Allele origin: germline. Affected: yes.
Comment: Not observed at significant frequency in large population cohorts (gnomAD); In silico analysis supports that this missense variant has a deleterious effect on protein structure/function; Has not been previously published as pathogenic or benign to our knowledge